The following is an entry in ClinVar:

ClinVar aggregate classification (germline): Uncertain significance. Review status: criteria provided, multiple submitters, no conflicts (2 of 4 stars). 2 submissions from 2 submitters: Uncertain significance (2). Last evaluated 2025-05-25.

Allele frequency attached by ClinVar (database versions not stated): gnomAD exomes 0.00001 and 0.00002; ExAC 0.00002; gnomAD 0.00002 and 0.00003; TOPMed 0.00002; ESP Exome Variant Server 0.00008.
gnomAD v4.1: 25 of 1,613,828 alleles (0.0015%); highest among the groups gnomAD compares: Admixed American, 0.0067%; no homozygotes.

Submissions (2):

Labcorp Genetics (formerly Invitae), Labcorp
Classification: Uncertain significance. Last evaluated: 2025-05-25. Review status: criteria provided, single submitter. Criteria: Invitae Variant Classification Sherloc (09022015). Collection method: clinical testing. Allele origin: germline.
Comment: This sequence change replaces arginine, which is basic and polar, with glutamine, which is neutral and polar, at codon 850 of the NFKB1 protein (p.Arg850Gln). This variant is present in population databases (rs374536762, gnomAD 0.007%). This variant has not been reported in the literature in individuals affected with NFKB1-related conditions. ClinVar contains an entry for this variant (Variation ID: 1012501). Invitae Evidence Modeling of protein sequence and biophysical properties (such as structural, functional, and spatial information, amino acid conservation, physicochemical variation, residue mobility, and thermodynamic stability) indicates that this missense variant is not expected to disrupt NFKB1 protein function with a negative predictive value of 80%. In summary, the available evidence is currently insufficient to determine the role of this variant in disease. Therefore, it has been classified as a Variant of Uncertain Significance.

CeGaT Center for Human Genetics Tuebingen
Classification: Uncertain significance. Last evaluated: 2020-07-01. Review status: criteria provided, single submitter. Criteria: CeGaT Center For Human Genetics Tuebingen Variant Classification Criteria Version 2. Collection method: clinical testing. Allele origin: germline. Affected: yes. Observed: 1 variant allele.

NM_003998.4(NFKB1):c.2549G>A (p.Arg850Gln)

Gene: NFKB1 (nuclear factor kappa B subunit 1; plus strand). Cytogenetic location: 4q24.
Variant type: single nucleotide variant.
Coding change: c.2549G>A on transcript NM_003998.4 (MANE Select); coding-DNA position 2549, G replaced by A.
Protein change: p.Arg850Gln; replaces arginine 850 with glutamine.
Molecular consequence: missense variant.
Genome position (GRCh38, 1-based): chr4:102,612,563, G>A. VCF-style: chr4-102612563-G-A. GRCh37 (hg19) VCF-style: chr4-103533720-G-A.
Other names: c.2546G>A, p.Arg849Gln (NM_001165412.2, NM_001319226.2, NM_001382627.1); c.2549G>A, p.Arg850Gln (NM_001382625.1, NM_001382626.1); c.2507G>A, p.Arg836Gln (NM_001382628.1); short protein forms R836Q, R849Q, R850Q.
Identifiers: ClinVar variation 1012501 (VCV001012501.41), dbSNP rs374536762, ClinGen allele CA3026454.